The following is an entry in ClinVar:

NM_181507.2(HPS5):c.1087C>T (p.Arg363Cys)

Gene: HPS5 (HPS5 biogenesis of lysosomal organelles complex 2 subunit 2; minus strand). Cytogenetic location: 11p15.1.
Variant type: single nucleotide variant.
Coding change: c.1087C>T on transcript NM_181507.2 (MANE Select); coding-DNA position 1087, C replaced by T.
Protein change: p.Arg363Cys; replaces arginine 363 with cysteine.
Molecular consequence: missense variant.
Genome position (GRCh38, 1-based): chr11:18,298,869, G>A on the plus strand (C>T on the coding strand, the complement: HPS5 is on the minus strand). VCF-style: chr11-18298869-G-A. GRCh37 (hg19) VCF-style: chr11-18320416-G-A.
Other names: c.745C>T, p.Arg249Cys (NM_007216.4, NM_181508.2); short protein forms R363C, R249C.
Identifiers: ClinVar variation 2141018 (VCV002141018.3), dbSNP rs150200184, ClinGen allele CA5910232.

ClinVar aggregate classification (germline): Uncertain significance. Review status: criteria provided, multiple submitters, no conflicts (2 of 4 stars). 2 submissions from 2 submitters: Uncertain significance (2). Last evaluated 2026-04-29.

Conditions:
HPS5-related disorder. Also called: HPS5-related condition.

Allele frequency attached by ClinVar (database versions not stated): TOPMed below 0.00001; gnomAD 0.00001; gnomAD exomes 0.00001; ExAC 0.00002; ESP Exome Variant Server 0.00008.
gnomAD v4.1: 9 of 1,614,004 alleles (0.00056%); highest among the groups gnomAD compares: East Asian, 0.0022%; no homozygotes.

Submissions (2):

PreventionGenetics, part of Exact Sciences
Classification: Uncertain significance for HPS5-related condition. Last evaluated: 2026-04-29. Review status: criteria provided, single submitter. Criteria: ACMG Guidelines, 2015. Collection method: clinical testing. Allele origin: germline.
Comment: The HPS5 c.1087C>T variant is predicted to result in the amino acid substitution p.Arg363Cys. To our knowledge, this variant has not been reported in the literature. This variant is reported in 0.0062% of alleles in individuals of African descent in gnomAD. At this time, the clinical significance of this variant is uncertain due to the absence of conclusive functional and genetic evidence.

Labcorp Genetics (formerly Invitae), Labcorp
Classification: Uncertain significance. Last evaluated: 2024-02-05. Review status: criteria provided, single submitter. Criteria: Invitae Variant Classification Sherloc (09022015). Collection method: clinical testing. Allele origin: germline.
Comment: This sequence change replaces arginine, which is basic and polar, with cysteine, which is neutral and slightly polar, at codon 363 of the HPS5 protein (p.Arg363Cys). This variant is present in population databases (rs150200184, gnomAD 0.003%). This variant has not been reported in the literature in individuals affected with HPS5-related conditions. ClinVar contains an entry for this variant (Variation ID: 2141018). An algorithm developed to predict the effect of missense changes on protein structure and function (PolyPhen-2) suggests that this variant is likely to be disruptive. In summary, the available evidence is currently insufficient to determine the role of this variant in disease. Therefore, it has been classified as a Variant of Uncertain Significance.